The following is an entry in ClinVar:

NM_004813.4(PEX16):c.*86G>C

Gene: PEX16 (peroxisomal biogenesis factor 16; minus strand). Cytogenetic location: 11p11.2.
Variant type: single nucleotide variant.
Coding change: c.*86G>C on transcript NM_004813.4 (MANE Select); 86 bases downstream of the stop codon, G replaced by C.
Molecular consequence: 3 prime UTR variant. On other transcripts: missense variant (1).
Genome position (GRCh38, 1-based): chr11:45,910,168, C>G on the plus strand (G>C on the coding strand, the complement: PEX16 is on the minus strand). VCF-style: chr11-45910168-C-G. GRCh37 (hg19) VCF-style: chr11-45931719-C-G.
Other names: c.962G>C, p.Arg321Pro (NM_057174.3); short protein forms R321P.
Identifiers: ClinVar variation 3347271 (VCV003347271.1).

ClinVar aggregate classification (germline): Uncertain significance (0 of 4 stars; one submission).

Conditions:
PEX16-related disorder. Also called: PEX16-related condition.

gnomAD v4.1: 21 of 1,612,122 alleles (0.0013%); highest among the groups gnomAD compares: South Asian, 0.0022%; no homozygotes.

Submission:

PreventionGenetics, part of Exact Sciences
Classification: Uncertain significance for PEX16-related condition. Last evaluated: 2024-07-10. Review status: no assertion criteria provided. Collection method: clinical testing. Allele origin: germline.
Comment: The PEX16 c.962G>C variant is predicted to result in the amino acid substitution p.Arg321Pro. To our knowledge, this variant has not been reported in the literature or in a large population database, indicating this variant is rare. At this time, the clinical significance of this variant is uncertain due to the absence of conclusive functional and genetic evidence.